The following is an entry in ClinVar:

NM_005592.4(MUSK):c.486+7G>C

Gene: MUSK (muscle associated receptor tyrosine kinase; plus strand). Cytogenetic location: 9q31.3.
Variant type: single nucleotide variant.
Coding change: c.486+7G>C on transcript NM_005592.4 (MANE Select); 7 bases into the intron after coding-DNA position 486, G replaced by C.
Molecular consequence: intron variant.
Genome position (GRCh38, 1-based): chr9:110,695,537, G>C. VCF-style: chr9-110695537-G-C. GRCh37 (hg19) VCF-style: chr9-113457817-G-C.
Other names: p.?; c.486+7G>C (NM_001166280.2, NM_001166281.2).
Identifiers: ClinVar variation 197257 (VCV000197257.26), dbSNP rs187497836, ClinGen allele CA245289.

ClinVar aggregate classification (germline): Benign/Likely benign. Review status: criteria provided, multiple submitters, no conflicts (2 of 4 stars). 6 submissions from 6 submitters: Benign (1); Likely benign (4). 1 of the submissions does not count toward it. Last evaluated 2026-01-19.

Conditions:
MUSK-related disorder. Also called: MUSK-related disorders; MUSK-related condition.
Congenital myasthenic syndrome 9. Also called: Myasthenic syndrome, congenital, 9, associated with acetylcholine receptor deficiency. Identifiers: Orphanet 590, MedGen C4225368, MONDO:0014587, OMIM 616325.
Fetal akinesia deformation sequence 1 (FADS1). Also called: Fetal akinesia sequence; Pena-Shokeir syndrome type I. Identifiers: Orphanet 994, MedGen C1276035, MONDO:0100101, OMIM 208150, HP:0001989.

Allele frequency attached by ClinVar (database versions not stated): gnomAD exomes 0.00026; ExAC 0.00072; gnomAD 0.00119 and 0.00128; ESP Exome Variant Server 0.00137; TOPMed 0.00139; 1000 Genomes Project 0.00140; 1000 Genomes Project 30x 0.00141.
gnomAD v4.1: 364 of 1,542,740 alleles (0.024%); highest among the groups gnomAD compares: African/African-American, 0.44%; 3 homozygotes.

Submissions (6):

Labcorp Genetics (formerly Invitae), Labcorp
Classification: Benign for Congenital myasthenic syndrome 9; Fetal akinesia deformation sequence 1. Last evaluated: 2026-01-19. Review status: criteria provided, single submitter. Criteria: Invitae Variant Classification Sherloc (09022015). Collection method: clinical testing. Allele origin: germline.

Mayo Clinic Laboratories, Mayo Clinic
Classification: Likely benign. Last evaluated: 2025-08-18. Review status: criteria provided, single submitter. Criteria: ACMG Guidelines, 2015. Collection method: clinical testing. Allele origin: germline. Observed: 1 variant allele.
Comment: BS1, BP4, BP7

Illumina Laboratory Services, Illumina
Classification: Likely benign for Congenital myasthenic syndrome 9. Last evaluated: 2018-01-13. Review status: criteria provided, single submitter. Criteria: ICSL Variant Classification Criteria 13 December 2019. Collection method: clinical testing. Allele origin: germline.
Comment: This variant was observed in the ICSL laboratory as part of a predisposition screen in an ostensibly healthy population. It had not been previously curated by ICSL or reported in the Human Gene Mutation Database (HGMD: prior to June 1st, 2018), and was therefore a candidate for classification through an automated scoring system. Utilizing variant allele frequency, disease prevalence and penetrance estimates, and inheritance mode, an automated score was calculated to assess if this variant is too frequent to cause the disease. Based on the score and internal cut-off values, a variant classified as likely benign is not then subjected to further curation. The score for this variant resulted in a classification of likely benign for this disease.

Eurofins Ntd Llc (ga)
Classification: Likely benign. Last evaluated: 2017-01-27. Review status: criteria provided, single submitter. Criteria: EGL Classification Definitions 2015. Collection method: clinical testing. Allele origin: germline. Observed: 2 variant alleles, 2 heterozygotes.

Genetic Services Laboratory, University of Chicago
Classification: Likely benign. Last evaluated: 2016-09-02. Review status: criteria provided, single submitter. Criteria: ACMG Guidelines, 2015. Collection method: clinical testing. Allele origin: germline. Affected: no.

PreventionGenetics, part of Exact Sciences
Classification: Likely benign for MUSK-related condition. Last evaluated: 2019-07-11. Review status: no assertion criteria provided. Collection method: clinical testing. Allele origin: germline. Not counted in ClinVar's aggregate classification.
Comment: This variant is classified as likely benign based on ACMG/AMP sequence variant interpretation guidelines (Richards et al. 2015 PMID: 25741868, with internal and published modifications).